The following is an entry in ClinVar:

NM_003119.4(SPG7):c.2272A>G (p.Ile758Val)

Gene: SPG7 (SPG7 matrix AAA peptidase subunit, paraplegin; plus strand). Cytogenetic location: 16q24.3.
Variant type: single nucleotide variant.
Coding change: c.2272A>G on transcript NM_003119.4 (MANE Select); coding-DNA position 2272, A replaced by G.
Protein change: p.Ile758Val; replaces isoleucine 758 with valine.
Molecular consequence: missense variant. On other transcripts: 3 prime UTR variant (1).
Genome position (GRCh38, 1-based): chr16:89,556,977, A>G. VCF-style: chr16-89556977-A-G. GRCh37 (hg19) VCF-style: chr16-89623385-A-G.
Other names: c.*50A>G (NM_001363850.1); short protein forms I758V.
Identifiers: ClinVar variation 665772 (VCV000665772.1), dbSNP rs1597668767, ClinGen allele CA397417813.
Genomic context (GRCh38, chr16:89,556,977, plus strand): 5'-ATAAACTATGAGGACATTGAGGCTCTCATTGGCCCGCCGCCCCATGGGCCGAAGAAAATG[A>G]TCGCACCGCAGAGGTGGATCGACGCCCAGAGGGAGAAACAGGACTTGGGCGAGGAGGAGA-3'
Protein context (NP_003110.1, residues 748-768): GPPPHGPKKM[Ile758Val]APQRWIDAQR

ClinVar aggregate classification (germline): Uncertain significance (1 of 4 stars; one submission).

Conditions:
Hereditary spastic paraplegia 7 (SPG7). Also called: Spastic paraplegia 7; Hereditary spastic paraplegia Paraplegin type; SPASTIC PARAPLEGIA 7, AUTOSOMAL RECESSIVE, WITH OR WITHOUT CEREBELLAR ATAXIA; Autosomal recessive spastic paraplegia type 7; SPG7-related neurologic disorder. Identifiers: Orphanet 99013, MedGen C1846564, MONDO:0011803, OMIM 607259.

Submission:

Labcorp Genetics (formerly Invitae), Labcorp
Classification: Uncertain significance for Spastic paraplegia 7. Last evaluated: 2018-12-13. Review status: criteria provided, single submitter. Criteria: Invitae Variant Classification Sherloc (09022015). Collection method: clinical testing. Allele origin: germline.
Comment: This sequence change replaces isoleucine with valine at codon 758 of the SPG7 protein (p.Ile758Val). The isoleucine residue is highly conserved and there is a small physicochemical difference between isoleucine and valine. This variant is not present in population databases (ExAC no frequency). This variant has not been reported in the literature in individuals with SPG7-related conditions. Algorithms developed to predict the effect of missense changes on protein structure and function (SIFT, PolyPhen-2, Align-GVGD) all suggest that this variant is likely to be tolerated, but these predictions have not been confirmed by published functional studies and their clinical significance is uncertain. In summary, the available evidence is currently insufficient to determine the role of this variant in disease. Therefore, it has been classified as a Variant of Uncertain Significance.